The following is an entry in ClinVar:

NM_001563.4(IMPG1):c.1572G>A (p.Leu524=)

Gene: IMPG1 (interphotoreceptor matrix proteoglycan 1; minus strand). Cytogenetic location: 6q14.1.
Variant type: single nucleotide variant.
Coding change: c.1572G>A on transcript NM_001563.4 (MANE Select); coding-DNA position 1572, G replaced by A.
Protein change: p.Leu524=; no amino-acid change (leucine 524 retained).
Molecular consequence: synonymous variant.
Genome position (GRCh38, 1-based): chr6:75,950,814, C>T on the plus strand (G>A on the coding strand, the complement: IMPG1 is on the minus strand). VCF-style: chr6-75950814-C-T. GRCh37 (hg19) VCF-style: chr6-76660531-C-T.
Other names: c.1338G>A, p.Leu446= (NM_001282368.2).
Identifiers: ClinVar variation 3031111 (VCV003031111.2), dbSNP rs2535897645, ClinGen allele CA451114618.

ClinVar aggregate classification (germline): Likely benign (0 of 4 stars; one submission).

Conditions:
IMPG1-related disorder. Also called: IMPG1-related condition.

Submission:

PreventionGenetics, part of Exact Sciences
Classification: Likely benign for IMPG1-related condition. Last evaluated: 2022-03-02. Review status: no assertion criteria provided. Collection method: clinical testing. Allele origin: germline.
Comment: This variant is classified as likely benign based on ACMG/AMP sequence variant interpretation guidelines (Richards et al. 2015 PMID: 25741868, with internal and published modifications).